The following is an entry in ClinVar:

NM_000489.6(ATRX):c.5133A>T (p.Pro1711=)

Gene: ATRX (ATRX chromatin remodeler; minus strand). Cytogenetic location: Xq21.1.
Variant type: single nucleotide variant.
Coding change: c.5133A>T on transcript NM_000489.6 (MANE Select); coding-DNA position 5133, A replaced by T.
Protein change: p.Pro1711=; no amino-acid change (proline 1711 retained).
Molecular consequence: synonymous variant.
Genome position (GRCh38, 1-based): chrX:77,633,208, T>A on the plus strand (A>T on the coding strand, the complement: ATRX is on the minus strand). VCF-style: chrX-77633208-T-A. GRCh37 (hg19) VCF-style: chrX-76888696-T-A.
Other names: c.5019A>T, p.Pro1673= (NM_138270.5).
Identifiers: ClinVar variation 1496503 (VCV001496503.5), dbSNP rs2148335082, ClinGen allele CA517375590.

ClinVar aggregate classification (germline): Uncertain significance (1 of 4 stars; one submission).

Conditions:
Alpha thalassemia-X-linked intellectual disability syndrome (ATRX). Also called: X-linked alpha-thalassemia-mental retardation syndrome; ALPHA-THALASSEMIA/IMPAIRED INTELLECTUAL DEVELOPMENT SYNDROME, X-LINKED; ALPHA-THALASSEMIA/MENTAL RETARDATION SYNDROME, X-LINKED; ATR, NONDELETION TYPE; ATR-X syndrome; Alpha thalassemia mental retardation syndrome, nondeletion type, X-linked. Identifiers: Orphanet 847, MedGen C1845055, MONDO:0010519, OMIM 301040.

Submission:

Labcorp Genetics (formerly Invitae), Labcorp
Classification: Uncertain significance for Alpha thalassemia-X-linked intellectual disability syndrome. Last evaluated: 2021-08-13. Review status: criteria provided, single submitter. Criteria: Invitae Variant Classification Sherloc (09022015). Collection method: clinical testing. Allele origin: germline.
Comment: This sequence change affects codon 1711 of the ATRX mRNA. It is a 'silent' change, meaning that it does not change the encoded amino acid sequence of the ATRX protein. It affects a nucleotide within the consensus splice site of the intron. This variant is not present in population databases (ExAC no frequency). This variant has not been reported in the literature in individuals affected with ATRX-related conditions. Algorithms developed to predict the effect of sequence changes on RNA splicing suggest that this variant is not likely to affect RNA splicing. In summary, the available evidence is currently insufficient to determine the role of this variant in disease. Therefore, it has been classified as a Variant of Uncertain Significance.